The following is an entry in ClinVar:

NM_003737.4(DCHS1):c.9133C>T (p.Arg3045Cys)

Gene: DCHS1 (dachsous cadherin-related 1; minus strand). Cytogenetic location: 11p15.4.
Variant type: single nucleotide variant.
Coding change: c.9133C>T on transcript NM_003737.4 (MANE Select); coding-DNA position 9133, C replaced by T.
Protein change: p.Arg3045Cys; replaces arginine 3045 with cysteine.
Molecular consequence: missense variant.
Genome position (GRCh38, 1-based): chr11:6,622,543, G>A on the plus strand (C>T on the coding strand, the complement: DCHS1 is on the minus strand). VCF-style: chr11-6622543-G-A. GRCh37 (hg19) VCF-style: chr11-6643774-G-A.
Other names: c.9133C>T (NM_003737.2); short protein forms R3045C.
Identifiers: ClinVar variation 1488013 (VCV001488013.9), dbSNP rs775574359, ClinGen allele CA5859305.
Genomic context (GRCh38, chr11:6,622,543, plus strand): 5'-GGCCACGGGCAGCCAGAGAGGAGGCCACACTGGCCACACGGGGGAACTCATTGATCATGC[G>A]GATCTCATCATCCTCTGCAGCCTCTGCTGATCCTCGGCCACTTGAATGTGAAGGGTCCAA-3'
Protein context (NP_003728.1, residues 3035-3055): SAEAAEDDEI[Arg3045Cys]MINEFPRVAS

ClinVar aggregate classification (germline): Uncertain significance. Review status: criteria provided, multiple submitters, no conflicts (2 of 4 stars). 3 submissions from 3 submitters: Uncertain significance (3). Last evaluated 2026-01-18.

Conditions:
Inborn genetic diseases. Identifiers: MedGen C0950123, MeSH D030342.

Allele frequency attached by ClinVar (database versions not stated): gnomAD 0.00003 and 0.00004; TOPMed 0.00003; gnomAD exomes 0.00004; ExAC 0.00006.

Submissions (3):

Labcorp Genetics (formerly Invitae), Labcorp
Classification: Uncertain significance. Last evaluated: 2026-01-18. Review status: criteria provided, single submitter. Criteria: Invitae Variant Classification Sherloc (09022015). Collection method: clinical testing. Allele origin: germline.
Comment: This sequence change replaces arginine, which is basic and polar, with cysteine, which is neutral and slightly polar, at codon 3045 of the DCHS1 protein (p.Arg3045Cys). The frequency data for this variant in the population databases is considered unreliable, as metrics indicate poor data quality at this position in the gnomAD database. This variant has not been reported in the literature in individuals affected with DCHS1-related conditions. ClinVar contains an entry for this variant (Variation ID: 1488013). Invitae Evidence Modeling of protein sequence and biophysical properties (such as structural, functional, and spatial information, amino acid conservation, physicochemical variation, residue mobility, and thermodynamic stability) has been performed for this missense variant. However, the output from this modeling did not meet the statistical confidence thresholds required to predict the impact of this variant on DCHS1 protein function. In summary, the available evidence is currently insufficient to determine the role of this variant in disease. Therefore, it has been classified as a Variant of Uncertain Significance.

Ambry Genetics
Classification: Uncertain significance for Inborn genetic diseases. Last evaluated: 2025-07-15. Review status: criteria provided, single submitter. Criteria: Ambry Variant Classification Scheme 2023. Collection method: clinical testing. Allele origin: germline.

Blueprint Genetics
Classification: Uncertain significance. Last evaluated: 2019-07-15. Review status: criteria provided, single submitter. Criteria: ACMG Guidelines, 2015. Collection method: clinical testing. Allele origin: germline.